The following is an entry in ClinVar:

NM_000235.4(LIPA):c.704C>A (p.Pro235His)

Gene: LIPA (lipase A, lysosomal acid type; minus strand). Cytogenetic location: 10q23.31.
Variant type: single nucleotide variant.
Coding change: c.704C>A on transcript NM_000235.4 (MANE Select); coding-DNA position 704, C replaced by A.
Protein change: p.Pro235His; replaces proline 235 with histidine.
Molecular consequence: missense variant.
Genome position (GRCh38, 1-based): chr10:89,223,802, G>T on the plus strand (C>A on the coding strand, the complement: LIPA is on the minus strand). VCF-style: chr10-89223802-G-T. GRCh37 (hg19) VCF-style: chr10-90983559-G-T.
Other names: c.704C>A, p.Pro235His (NM_001440818.1, NM_001440819.1, NM_001440820.1 and 16 more transcripts); c.725C>A, p.Pro242His (NM_001440837.1); c.719C>A, p.Pro240His (NM_001440838.1); c.536C>A, p.Pro179His (NM_001440839.1); c.836C>A, p.Pro279His (NM_001440836.1); c.356C>A, p.Pro119His (NM_001288979.2); short protein forms P179H, P235H, P240H, P119H, P242H, P279H.
Identifiers: ClinVar variation 4098204 (VCV004098204.1).
Genomic context (GRCh38, chr10:89,223,802, plus strand): 5'-TCCTTCAGTATGACATGAGTGCAAACGTGGGTACCCAGCCACTTCAAAAACGCACTCTGG[G>T]GAAGAAATTCTTTGTCTCCAAATAAGTCCTACAAAATAAAAAGAAACCCAAGAACATCTC-3'
Protein context (NP_000226.2, residues 225-245): KDLFGDKEFL[Pro235His]QSAFLKWLGT

ClinVar aggregate classification (germline): Uncertain significance (1 of 4 stars; one submission).

Conditions:
Cardiovascular phenotype. Identifiers: MedGen CN230736.

gnomAD v4.1: 4 of 1,614,074 alleles (0.00025%); highest among the groups gnomAD compares: Non-Finnish European, 0.00034%; no homozygotes.

Submission:

Ambry Genetics
Classification: Uncertain significance for Cardiovascular phenotype. Last evaluated: 2025-07-24. Review status: criteria provided, single submitter. Criteria: Ambry Variant Classification Scheme 2023. Collection method: clinical testing. Allele origin: germline.
Comment: The p.P235H variant (also known as c.704C>A), located in coding exon 6 of the LIPA gene, results from a C to A substitution at nucleotide position 704. The proline at codon 235 is replaced by histidine, an amino acid with similar properties. This amino acid position is conserved. In addition, the in silico prediction for this alteration is inconclusive. Based on the available evidence, the clinical significance of this variant remains unclear.